The following is an entry in ClinVar:

NM_000551.4(VHL):c.573C>T (p.His191=)

Genes: VHL (von Hippel-Lindau tumor suppressor; plus strand), LOC107303340 (3p25 von Hippel-Lindau tumor suppressor, E3 ubiquitin protein ligase Alu-mediated recombination region; plus strand). Cytogenetic location: 3p25.3.
Variant type: single nucleotide variant.
Coding change: c.573C>T on transcript NM_000551.4 (MANE Select); coding-DNA position 573, C replaced by T.
Protein change: p.His191=; no amino-acid change (histidine 191 retained).
Molecular consequence: synonymous variant. On other transcripts: 3 prime UTR variant (1), non-coding transcript variant (1).
Genome position (GRCh38, 1-based): chr3:10,149,896, C>T. VCF-style: chr3-10149896-C-T. GRCh37 (hg19) VCF-style: chr3-10191580-C-T.
Other names: c.*127C>T (NM_001354723.2); c.450C>T, p.His150= (NM_198156.3).
Identifiers: ClinVar variation 2943258 (VCV002943258.5), dbSNP rs759418244, ClinGen allele CA041716.

ClinVar aggregate classification (germline): Likely benign. Review status: criteria provided, multiple submitters, no conflicts (2 of 4 stars). 3 submissions from 3 submitters: Likely benign (3). Last evaluated 2024-11-27.

Conditions:
Hereditary cancer-predisposing syndrome. Also called: Neoplastic Syndromes, Hereditary; Tumor predisposition; Hereditary Cancer Syndrome; Hereditary neoplastic syndrome. Identifiers: Orphanet 140162, MedGen C0027672, MeSH D009386, MONDO:0015356.
Von Hippel-Lindau syndrome (VHLS). Also called: von Hippel–Lindau syndrome; VHL syndrome; Von Hippel-Lindau. Identifiers: Orphanet 892, MedGen C0019562, MONDO:0008667, OMIM 193300. Disease mechanism: loss of function.
Chuvash polycythemia. Also called: POLYCYTHEMIA, VHL-DEPENDENT. Identifiers: Orphanet 238557, MedGen C1837915, MONDO:0009892, OMIM 263400.

Allele frequency attached by ClinVar (database versions not stated): gnomAD exomes below 0.00001; ExAC 0.00001.
gnomAD v4.1: 2 of 1,614,186 alleles (0.00012%); highest among the groups gnomAD compares: South Asian, 0.0011%; no homozygotes.

Submissions (3):

Labcorp Genetics (formerly Invitae), Labcorp
Classification: Likely benign for Von Hippel-Lindau syndrome; Chuvash polycythemia. Last evaluated: 2024-11-27. Review status: criteria provided, single submitter. Criteria: Invitae Variant Classification Sherloc (09022015). Collection method: clinical testing. Allele origin: germline.

Ambry Genetics
Classification: Likely benign for Hereditary cancer-predisposing syndrome. Last evaluated: 2024-07-06. Review status: criteria provided, single submitter. Criteria: Ambry Variant Classification Scheme 2023. Collection method: clinical testing. Allele origin: germline.

All of Us Research Program, National Institutes of Health
Classification: Likely benign for Von Hippel-Lindau syndrome. Last evaluated: 2023-05-30. Review status: criteria provided, single submitter. Criteria: ACMG Guidelines, 2015. Collection method: clinical testing. Allele origin: germline. Inheritance: Autosomal dominant inheritance. Observed: 1 variant allele, 1 heterozygote.
Comment: This study involves interpretation of variants in research participants for the purpose of population health screening. Participant phenotype was not available at the time of variant classification. Additional details can be found in publication PMID: 35346344, PMCID: PMC8962531